The following is an entry in ClinVar:

ClinVar aggregate classification (germline): Uncertain significance. Review status: criteria provided, multiple submitters, no conflicts (2 of 4 stars). 3 submissions from 3 submitters: Uncertain significance (2). 1 of the submissions does not count toward it. Last evaluated 2026-01-13.

Conditions:
FREM1-related disorder. Also called: FREM1-Related Disorders; FREM1-related condition.
Inborn genetic diseases. Identifiers: MedGen C0950123, MeSH D030342.

Allele frequency attached by ClinVar (database versions not stated): gnomAD exomes 0.00006; ExAC 0.00019; gnomAD 0.00044; TOPMed 0.00073; 1000 Genomes Project 0.00080; ESP Exome Variant Server 0.00090; 1000 Genomes Project 30x 0.00094.
gnomAD v4.1: 154 of 1,613,784 alleles (0.0095%); highest among the groups gnomAD compares: African/African-American, 0.19%; no homozygotes.

Submissions (3):

Labcorp Genetics (formerly Invitae), Labcorp
Classification: Uncertain significance. Last evaluated: 2026-01-13. Review status: criteria provided, single submitter. Criteria: Invitae Variant Classification Sherloc (09022015). Collection method: clinical testing. Allele origin: germline.
Comment: This sequence change replaces lysine, which is basic and polar, with arginine, which is basic and polar, at codon 1970 of the FREM1 protein (p.Lys1970Arg). This variant is present in population databases (rs199497460, gnomAD 0.2%). This variant has not been reported in the literature in individuals affected with FREM1-related conditions. ClinVar contains an entry for this variant (Variation ID: 3048354). An algorithm developed to predict the effect of missense changes on protein structure and function outputs the following: PolyPhen-2: "Benign". The arginine amino acid residue is found in multiple mammalian species, which suggests that this missense change does not adversely affect protein function. In summary, the available evidence is currently insufficient to determine the role of this variant in disease. Therefore, it has been classified as a Variant of Uncertain Significance.

Ambry Genetics
Classification: Uncertain significance for Inborn genetic diseases. Last evaluated: 2024-10-19. Review status: criteria provided, single submitter. Criteria: Ambry Variant Classification Scheme 2023. Collection method: clinical testing. Allele origin: germline.

PreventionGenetics, part of Exact Sciences
Classification: Likely benign for FREM1-related condition. Last evaluated: 2024-02-07. Review status: no assertion criteria provided. Collection method: clinical testing. Allele origin: germline. Not counted in ClinVar's aggregate classification.
Comment: This variant is classified as likely benign based on ACMG/AMP sequence variant interpretation guidelines (Richards et al. 2015 PMID: 25741868, with internal and published modifications).

NM_001379081.2(FREM1):c.5909A>G (p.Lys1970Arg)

Gene: FREM1 (FRAS1 related extracellular matrix 1; minus strand). Cytogenetic location: 9p22.3.
Variant type: single nucleotide variant.
Coding change: c.5909A>G on transcript NM_001379081.2 (MANE Select); coding-DNA position 5909, A replaced by G.
Protein change: p.Lys1970Arg; replaces lysine 1970 with arginine.
Molecular consequence: missense variant. On other transcripts: non-coding transcript variant (3).
Genome position (GRCh38, 1-based): chr9:14,747,364, T>C on the plus strand (A>G on the coding strand, the complement: FREM1 is on the minus strand). VCF-style: chr9-14747364-T-C. GRCh37 (hg19) VCF-style: chr9-14747362-T-C.
Other names: c.1517A>G, p.Lys506Arg (NM_001177704.3, NM_001370061.2); c.1367A>G, p.Lys456Arg (NM_001370058.2); c.5909A>G, p.Lys1970Arg (NM_144966.7); short protein forms K1970R, K456R, K506R.
Identifiers: ClinVar variation 3048354 (VCV003048354.4), dbSNP rs199497460, ClinGen allele CA4989614.